The following is an entry in ClinVar:

NM_025136.4(OPA3):c.368_369delinsCT (p.Arg123Pro)

Genes: OPA3 (outer mitochondrial membrane lipid metabolism regulator OPA3; minus strand), OPA3-RTN2 (OPA3-RTN2 readthrough; minus strand). Cytogenetic location: 19q13.32.
Variant type: Indel.
Coding change: c.368_369delinsCT on transcript NM_025136.4 (MANE Select); coding-DNA positions 368 to 369, GG replaced by CT.
Protein change: p.Arg123Pro; replaces arginine 123 with proline.
Molecular consequence: missense variant. On other transcripts: intron variant (1).
Genome position (GRCh38, 1-based): chr19:45,553,685-45,553,686, CC replaced by AG on the plus strand (GG replaced by CT on the coding strand, the reverse complement: OPA3 is on the minus strand). VCF-style: chr19-45553685-CC-AG. GRCh37 (hg19) VCF-style: chr19-46056943-CC-AG.
Other names: c.143-24230_143-24229delinsCT (NM_001017989.3); short protein forms R123P.
Identifiers: ClinVar variation 2943231 (VCV002943231.3), dbSNP rs2513823863, ClinGen allele CA2740096939.

ClinVar aggregate classification (germline): Uncertain significance (1 of 4 stars; one submission).

Conditions:
Optic atrophy 3 (OPA3). Also called: Optic atrophy 3 with cataract; OPTIC ATROPHY 3, AUTOSOMAL DOMINANT; Optic atrophy, cataract, and neurologic disorder. Identifiers: Orphanet 67036, MedGen C1833809, MONDO:0008133, OMIM 165300.
3-Methylglutaconic aciduria type 3 (MGCA3). Also called: OPA3-Related 3-Methylglutaconic Aciduria; OPA3, AUTOSOMAL RECESSIVE; OPTIC ATROPHY 3, AUTOSOMAL RECESSIVE; Costeff Syndrome. Identifiers: Orphanet 67047, MedGen C0574084, MONDO:0009787, OMIM 258501.

Submission:

Labcorp Genetics (formerly Invitae), Labcorp
Classification: Uncertain significance for 3-Methylglutaconic aciduria type 3; Optic atrophy 3. Last evaluated: 2023-08-17. Review status: criteria provided, single submitter. Criteria: Invitae Variant Classification Sherloc (09022015). Collection method: clinical testing. Allele origin: germline.
Comment: In summary, the available evidence is currently insufficient to determine the role of this variant in disease. Therefore, it has been classified as a Variant of Uncertain Significance. An algorithm developed to predict the effect of missense changes on protein structure and function (PolyPhen-2) suggests that this variant is likely to be disruptive. This variant has not been reported in the literature in individuals affected with OPA3-related conditions. Information on the frequency of this variant in the gnomAD database is not available, as this variant may be reported differently in the database. This sequence change replaces arginine, which is basic and polar, with proline, which is neutral and non-polar, at codon 123 of the OPA3 protein (p.Arg123Pro).